The following is an entry in ClinVar:

NM_004385.5(VCAN):c.3992A>G (p.Glu1331Gly)

Gene: VCAN (versican; plus strand). Cytogenetic location: 5q14.3.
Variant type: single nucleotide variant.
Coding change: c.3992A>G on transcript NM_004385.5 (MANE Select); coding-DNA position 3992, A replaced by G.
Protein change: p.Glu1331Gly; replaces glutamic acid 1331 with glycine.
Molecular consequence: missense variant. On other transcripts: intron variant (2).
Genome position (GRCh38, 1-based): chr5:83,522,298, A>G. VCF-style: chr5-83522298-A-G. GRCh37 (hg19) VCF-style: chr5-82818117-A-G.
Other names: c.3992A>G, p.Glu1331Gly (NM_001164098.2); c.1042+9902A>G (NM_001164097.2, NM_001126336.3); short protein forms E1331G.
Identifiers: ClinVar variation 2001427 (VCV002001427.4), dbSNP rs1287596915, ClinGen allele CA360307251.

ClinVar aggregate classification (germline): Uncertain significance (1 of 4 stars; one submission).

Allele frequency attached by ClinVar (database versions not stated): TOPMed 0.00001.

Submission:

Labcorp Genetics (formerly Invitae), Labcorp
Classification: Uncertain significance. Last evaluated: 2022-06-09. Review status: criteria provided, single submitter. Criteria: Invitae Variant Classification Sherloc (09022015). Collection method: clinical testing. Allele origin: germline.
Comment: In summary, the available evidence is currently insufficient to determine the role of this variant in disease. Therefore, it has been classified as a Variant of Uncertain Significance. Algorithms developed to predict the effect of missense changes on protein structure and function output the following: SIFT: "Deleterious"; PolyPhen-2: "Probably Damaging"; Align-GVGD: "Class C65". The glycine amino acid residue is found in multiple mammalian species, which suggests that this missense change does not adversely affect protein function. This variant has not been reported in the literature in individuals affected with VCAN-related conditions. This variant is not present in population databases (gnomAD no frequency). This sequence change replaces glutamic acid, which is acidic and polar, with glycine, which is neutral and non-polar, at codon 1331 of the VCAN protein (p.Glu1331Gly).